The following is an entry in ClinVar:

ClinVar aggregate classification (germline): Uncertain significance (1 of 4 stars; one submission).

Conditions:
Megalencephalic leukoencephalopathy with subcortical cysts 1 (MLC1). Also called: VACUOLATING MEGALENCEPHALIC LEUKOENCEPHALOPATHY WITH SUBCORTICAL CYSTS; LEUKOENCEPHALOPATHY WITH SWELLING AND CYSTS. Identifiers: Orphanet 2478, MedGen C5779875, MONDO:0024555, OMIM 604004.

Allele frequency attached by ClinVar (database versions not stated): TOPMed below 0.00001.

Submission:

Neuberg Centre For Genomic Medicine, NCGM
Classification: Uncertain significance for Megalencephalic leukoencephalopathy with subcortical cysts 1. Last evaluated: 2023-02-14. Review status: criteria provided, single submitter. Criteria: ACMG Guidelines, 2015. Collection method: clinical testing. Allele origin: germline. Inheritance: Autosomal recessive inheritance. Affected: yes.
Comment: The missense c.493C>T (p.Arg165Trp) variant in MLC1 gene has not been reported previously as a pathogenic variant nor as a benign variant, to our knowledge. The p.Arg165Trp variant has allele frequency 0.0008% in gnomAD Exomes and is novel (not in any individuals) in 1000 Genomes. This variant has not been reported to the ClinVar database. The amino acid change p.Arg165Trp in MLC1 is predicted as conserved by GERP++ and PhyloP across 100 vertebrates. The amino acid Arg at position 165 is changed to a Trp changing protein sequence and it might alter its composition and physico-chemical properties. For these reasons, this variant has been classified as Variant of Uncertain Significance (VUS).

NM_015166.4(MLC1):c.493C>T (p.Arg165Trp)

Gene: MLC1 (modulator of VRAC current 1; minus strand). Cytogenetic location: 22q13.33.
Variant type: single nucleotide variant.
Coding change: c.493C>T on transcript NM_015166.4 (MANE Select); coding-DNA position 493, C replaced by T.
Protein change: p.Arg165Trp; replaces arginine 165 with tryptophan.
Molecular consequence: missense variant. On other transcripts: non-coding transcript variant (3).
Genome position (GRCh38, 1-based): chr22:50,077,433, G>A on the plus strand (C>T on the coding strand, the complement: MLC1 is on the minus strand). VCF-style: chr22-50077433-G-A. GRCh37 (hg19) VCF-style: chr22-50515862-G-A.
Other names: c.493C>T, p.Arg165Trp (NM_001376472.1, NM_001376473.1, NM_001376474.1 and 6 more transcripts); c.403C>T, p.Arg135Trp (NM_001376480.1); c.391C>T, p.Arg131Trp (NM_001376481.1); c.337C>T, p.Arg113Trp (NM_001376482.1, NM_001376483.1); c.256C>T, p.Arg86Trp (NM_001376484.1); short protein forms R113W, R131W, R135W, R165W, R86W.
Identifiers: ClinVar variation 2671764 (VCV002671764.1), dbSNP rs757541925, ClinGen allele CA10303526.